The following is an entry in ClinVar:

ClinVar aggregate classification (germline): Pathogenic. Review status: criteria provided, multiple submitters, no conflicts (2 of 4 stars). 2 submissions from 2 submitters: Pathogenic (2). Last evaluated 2022-06-03.

Conditions:
Hereditary cancer-predisposing syndrome. Also called: Neoplastic Syndromes, Hereditary; Hereditary Cancer Syndrome; Hereditary neoplastic syndrome; Tumor predisposition. Identifiers: Orphanet 140162, MedGen C0027672, MeSH D009386, MONDO:0015356.
Familial cancer of breast. Also called: BREAST CANCER, FAMILIAL; Hereditary breast cancer; hereditary breast carcinoma. Identifiers: Orphanet 227535, MedGen C0346153, MONDO:0016419, OMIM 114480. Disease mechanism: loss of function.

Submissions (2):

Ambry Genetics
Classification: Pathogenic for Hereditary cancer-predisposing syndrome. Last evaluated: 2022-06-03. Review status: criteria provided, single submitter. Criteria: Ambry Variant Classification Scheme 2023. Collection method: clinical testing. Allele origin: germline.
Comment: The c.1424delC pathogenic mutation, located in coding exon 4 of the PALB2 gene, results from a deletion of one nucleotide at nucleotide position 1424, causing a translational frameshift with a predicted alternate stop codon (p.S475*). This alteration is expected to result in loss of function by premature protein truncation or nonsense-mediated mRNA decay. As such, this alteration is interpreted as a disease-causing mutation.

Labcorp Genetics (formerly Invitae), Labcorp
Classification: Pathogenic for Familial cancer of breast. Last evaluated: 2017-02-05. Review status: criteria provided, single submitter. Criteria: Invitae Variant Classification Sherloc (09022015). Collection method: clinical testing. Allele origin: germline.
Comment: While this particular variant has not been reported in the literature, loss-of-function variants in PALB2 are known to be pathogenic (PMID: 25099575, 17200668). For these reasons, this variant has been classified as Pathogenic. This sequence change deletes 1 nucleotide from exon 4 of the PALB2 mRNA (c.1424delC), causing a frameshift at codon 475. This creates a premature translational stop signal (p.Ser475*) and is expected to result in an absent or disrupted protein product.

Literature cited by the submitters: PubMed 25099575 (cited by Labcorp Genetics (formerly Invitae), Labcorp); PubMed 17200668 (cited by Labcorp Genetics (formerly Invitae), Labcorp).

NM_024675.4(PALB2):c.1424del (p.Ser474_Ser475insTer)

Gene: PALB2 (partner and localizer of BRCA2; minus strand). Cytogenetic location: 16p12.2.
Variant type: Deletion.
Coding change: c.1424del on transcript NM_024675.4 (MANE Select); coding-DNA position 1424, one base deleted (C; older notation c.1424delC).
Protein change: p.Ser474_Ser475insTer.
Molecular consequence: nonsense.
Genome position (GRCh38, 1-based): chr16:23,635,122, G deleted on the plus strand (C on the coding strand, the reverse complement: PALB2 is on the minus strand). VCF-style (leftmost placement, unchanged base first): chr16-23635121-TG-T. GRCh37 (hg19) VCF-style: chr16-23646442-TG-T.
Other names: c.1424delC (NM_024675.3).
Identifiers: ClinVar variation 460893 (VCV000460893.10), dbSNP rs1555461295, ClinGen allele CA658658425.